The following is an entry in ClinVar:

ClinVar aggregate classification (germline): Pathogenic. Review status: criteria provided, multiple submitters, no conflicts (2 of 4 stars). 2 submissions from 2 submitters: Pathogenic (2). Last evaluated 2025-05-15.

Submissions (2):

Labcorp Genetics (formerly Invitae), Labcorp
Classification: Pathogenic. Last evaluated: 2025-05-15. Review status: criteria provided, single submitter. Criteria: Invitae Variant Classification Sherloc (09022015). Collection method: clinical testing. Allele origin: germline.
Comment: This sequence change creates a premature translational stop signal (p.Arg280Serfs*40) in the LMX1B gene. It is expected to result in an absent or disrupted protein product. Loss-of-function variants in LMX1B are known to be pathogenic (PMID: 9590287, 15498463). This variant is not present in population databases (gnomAD no frequency). This variant has not been reported in the literature in individuals affected with LMX1B-related conditions. For these reasons, this variant has been classified as Pathogenic.

GeneDx
Classification: Pathogenic. Last evaluated: 2024-11-20. Review status: criteria provided, single submitter. Criteria: GeneDx Variant Classification Process June 2021. Collection method: clinical testing. Allele origin: germline. Affected: yes.
Comment: Frameshift variant predicted to result in protein truncation or nonsense mediated decay in a gene for which loss of function is a known mechanism of disease; Not observed at significant frequency in large population cohorts (gnomAD); Has not been previously published as pathogenic or benign to our knowledge

Literature cited by the submitters: PubMed 9590287 (cited by Labcorp Genetics (formerly Invitae), Labcorp); PubMed 15498463 (cited by Labcorp Genetics (formerly Invitae), Labcorp).

NM_001174147.2(LMX1B):c.838_853delinsAGCAGCAGGAGCAGCAGCAGGAGCAGCAGCAGGAGCAGCAGAACTCCCAGCGGCAGG (p.Arg280fs)

Gene: LMX1B (LIM homeobox transcription factor 1 beta; plus strand). Cytogenetic location: 9q33.3.
Variant type: Indel.
Coding change: c.838_853delinsAGCAGCAGGAGCAGCAGCAGGAGCAGCAGCAGGAGCAGCAGAACTCCCAGCGGCAGG on transcript NM_001174147.2 (MANE Select); coding-DNA positions 838 to 853, the reference bases replaced by an inserted sequence.
Protein change: p.Arg280fs; shifts the reading frame from arginine 280.
Molecular consequence: frameshift variant.
Genome position (GRCh38, 1-based): chr9:126,693,764-126,693,779, 16 bases replaced. GRCh37 (hg19): chr9:129,456,043-129,456,058.
Other names: c.838_853delinsAGCAGCAGGAGCAGCAGCAGGAGCAGCAGCAGGAGCAGCAGAACTCCCAGCGGCAGG, p.Arg280fs (NM_001174146.2, NM_002316.4); short protein forms R280fs.
Identifiers: ClinVar variation 3900324 (VCV003900324.2).